The following is an entry in ClinVar:

NM_001042492.3(NF1):c.2276_2277del (p.Val759fs)

Gene: NF1 (neurofibromin 1; plus strand). Cytogenetic location: 17q11.2.
Variant type: Deletion.
Coding change: c.2276_2277del on transcript NM_001042492.3 (MANE Select); coding-DNA positions 2276 to 2277, 2 bases deleted (TG; older notation c.2276_2277delTG).
Protein change: p.Val759fs; shifts the reading frame from valine 759.
Molecular consequence: frameshift variant.
Genome position (GRCh38, 1-based): chr17:31,227,242-31,227,243, TG deleted; deleting any 2 consecutive bases within chr17:31,227,241-31,227,243 gives the same sequence; the c. name uses the placement nearest the transcript's 3' end. VCF-style (leftmost placement, unchanged base first): chr17-31227240-AGT-A. GRCh37 (hg19) VCF-style: chr17-29554258-AGT-A.
Other names: c.2276_2277delTG, p.Val759Aspfs (NM_000267.4); short protein forms V759fs.
Identifiers: ClinVar variation 1068562 (VCV001068562.5), dbSNP rs2151426879, ClinGen allele CA2499224052.
Genomic context (GRCh38, chr17:31,227,240, plus strand): 5'-TAAGTGCAGTAACTTGATTTGCTGTTGTATTTGCTTAGGAAGAGCAGCACTTCAGAAAAG[AGT>A]GATGGCACTGCTGAGGCGCATTGAGCATCCCACTGCAGGAAACACTGAGGTATGCCCTTA-3'

ClinVar aggregate classification (germline): Pathogenic (1 of 4 stars; one submission).

Conditions:
Neurofibromatosis, type 1 (NF1). Also called: VON RECKLINGHAUSEN DISEASE; Peripheral type neurofibromatosis; NEUROFIBROMATOSIS, TYPE I, SOMATIC; Neurofibromatosis, type I. Identifiers: Orphanet 636, MedGen C0027831, MONDO:0018975, OMIM 162200. Disease mechanism: loss of function.

Submission:

Labcorp Genetics (formerly Invitae), Labcorp
Classification: Pathogenic for Neurofibromatosis, type 1. Last evaluated: 2020-07-26. Review status: criteria provided, single submitter. Criteria: Invitae Variant Classification Sherloc (09022015). Collection method: clinical testing. Allele origin: germline.
Comment: For these reasons, this variant has been classified as Pathogenic. Loss-of-function variants in NF1 are known to be pathogenic (PMID: 10712197, 23913538). This variant has not been reported in the literature in individuals with NF1-related conditions. This variant is not present in population databases (ExAC no frequency). This sequence change creates a premature translational stop signal (p.Val759Aspfs*8) in the NF1 gene. It is expected to result in an absent or disrupted protein product.

Literature cited by the submitters: PubMed 10712197; PubMed 23913538.